The following is an entry in ClinVar:

ClinVar aggregate classification (germline): Uncertain significance. Review status: reviewed by expert panel (3 of 4 stars). 2 submissions from 2 submitters: Uncertain significance (1). 1 of the submissions does not count toward it. Last evaluated 2022-06-30.

Conditions:
Abnormal bleeding. Also called: Bleeding diathesis. Identifiers: MedGen C1458140, HP:0001892.
Thrombocytopenia. Identifiers: MedGen C0040034, MeSH D013921, MONDO:0002049, HP:0001873.
Hereditary thrombocytopenia and hematologic cancer predisposition syndrome. Identifiers: Orphanet 71290, MedGen CN281654, MONDO:0011071.

Submissions (2):

ClinGen Myeloid Malignancy Variant Curation Expert Panel
Classification: Uncertain significance for Hereditary thrombocytopenia and hematologic cancer predisposition syndrome. Last evaluated: 2022-06-30. Review status: reviewed by expert panel. Criteria: ClinGen MyeloMalig ACMG Specifications v2. Collection method: curation. Allele origin: germline. Inheritance: Autosomal dominant inheritance.
Comment: NM_001754.5(RUNX1):c.403G>A (p.Gly135Ser) is a missense variant. This variant has been reported in one proband meeting at least one of the RUNX1-phenotypic criteria (PS4_ Supporting; PMID: 32935436). This missense variant has a REVEL score >0.88 (0.961) (PP3). This variant affects one of the other residues (AA 89-204) within the RHD (PM1_supporting). This variant is completely absent from all population databases with at least 20x coverage for RUNX1 (PM2_supporting). In summary, the clinical significance of this variant is uncertain. ACMG/AMP criteria applied, as specified by the Myeloid Malignancy Variant Curation Expert Panel for RUNX1: PP3, PM1_supporting, PM2_supporting and PS4_supporting.

Birmingham Platelet Group; University of Birmingham
Classification: Likely pathogenic for Thrombocytopenia; Abnormal bleeding. Last evaluated: 2020-05-01. Review status: no assertion criteria provided. Collection method: research. Allele origin: germline. Affected: yes. Not counted in ClinVar's aggregate classification.

NM_001754.5(RUNX1):c.403G>A (p.Gly135Ser)

Genes: RUNX1 (RUNX family transcription factor 1; minus strand), RUNX1-AS1 (RUNX1 antisense RNA 1; plus strand). Cytogenetic location: 21q22.12.
Variant type: single nucleotide variant.
Coding change: c.403G>A on transcript NM_001754.5 (MANE Select); coding-DNA position 403, G replaced by A.
Protein change: p.Gly135Ser; replaces glycine 135 with serine.
Molecular consequence: missense variant.
Genome position (GRCh38, 1-based): chr21:34,880,662, C>T on the plus strand (G>A on the coding strand, the complement: RUNX1 is on the minus strand). VCF-style: chr21-34880662-C-T. GRCh37 (hg19) VCF-style: chr21-36252959-C-T.
Other names: NM_001754.5(RUNX1):c.403G>A; p.Gly135Ser; c.322G>A, p.Gly108Ser (NM_001001890.3, NM_001122607.2); short protein forms G108S, G135S.
Identifiers: ClinVar variation 988857 (VCV000988857.2), dbSNP rs1186716957, ClinGen allele CA410202687.